The following is an entry in ClinVar:

ClinVar aggregate classification (germline): Uncertain significance (1 of 4 stars; one submission).

Conditions:
Charcot-Marie-Tooth disease type 4. Also called: Charcot-Marie-Tooth disease, type IV; Charcot-Marie-Tooth, Type 4. Identifiers: Orphanet 64749, MedGen C4082197, MONDO:0018995.

Allele frequency attached by ClinVar (database versions not stated): gnomAD exomes below 0.00001.
gnomAD v4.1: 2 of 1,552,124 alleles (0.00013%); highest among the groups gnomAD compares: Non-Finnish European, 0.00017%; no homozygotes.

Submission:

Labcorp Genetics (formerly Invitae), Labcorp
Classification: Uncertain significance for Charcot-Marie-Tooth disease type 4. Last evaluated: 2023-06-30. Review status: criteria provided, single submitter. Criteria: Invitae Variant Classification Sherloc (09022015). Collection method: clinical testing. Allele origin: germline.
Comment: This sequence change replaces glycine, which is neutral and non-polar, with arginine, which is basic and polar, at codon 62 of the PRX protein (p.Gly62Arg). This variant also falls at the last nucleotide of exon 5, which is part of the consensus splice site for this exon. This variant is not present in population databases (gnomAD no frequency). This variant has not been reported in the literature in individuals affected with PRX-related conditions. ClinVar contains an entry for this variant (Variation ID: 848732). An algorithm developed to predict the effect of missense changes on protein structure and function (PolyPhen-2) suggests that this variant is likely to be disruptive. Variants that disrupt the consensus splice site are a relatively common cause of aberrant splicing (PMID: 17576681, 9536098). Algorithms developed to predict the effect of sequence changes on RNA splicing suggest that this variant may disrupt the consensus splice site. In summary, the available evidence is currently insufficient to determine the role of this variant in disease. Therefore, it has been classified as a Variant of Uncertain Significance.

Literature cited by the submitters: PubMed 17576681; PubMed 9536098.

NM_181882.3(PRX):c.184G>A (p.Gly62Arg)

Gene: PRX (periaxin; minus strand). Cytogenetic location: 19q13.2.
Variant type: single nucleotide variant.
Coding change: c.184G>A on transcript NM_181882.3 (MANE Select); coding-DNA position 184, G replaced by A.
Protein change: p.Gly62Arg; replaces glycine 62 with arginine.
Molecular consequence: missense variant.
Genome position (GRCh38, 1-based): chr19:40,403,706, C>T on the plus strand (G>A on the coding strand, the complement: PRX is on the minus strand). VCF-style: chr19-40403706-C-T. GRCh37 (hg19) VCF-style: chr19-40909613-C-T.
Other names: c.184G>A, p.Gly62Arg (NM_020956.2); short protein forms G62R.
Identifiers: ClinVar variation 848732 (VCV000848732.9), dbSNP rs1205438395, ClinGen allele CA405901701.